The following is an entry in ClinVar:

ClinVar aggregate classification (germline): Likely pathogenic (1 of 4 stars; one submission).

Submission:

CeGaT Center for Human Genetics Tuebingen
Classification: Likely pathogenic. Last evaluated: 2025-05-01. Review status: criteria provided, single submitter. Criteria: CeGaT Center For Human Genetics Tuebingen Variant Classification Criteria Version 2. Collection method: clinical testing. Allele origin: germline. Affected: yes. Observed: 1 variant allele.
Comment: ATL1: PM1, PM2, PS2:Moderate

NM_015915.5(ATL1):c.1249T>A (p.Tyr417Asn)

Gene: ATL1 (atlastin GTPase 1; plus strand). Cytogenetic location: 14q22.1.
Variant type: single nucleotide variant.
Coding change: c.1249T>A on transcript NM_015915.5 (MANE Select); coding-DNA position 1249, T replaced by A.
Protein change: p.Tyr417Asn; replaces tyrosine 417 with asparagine.
Molecular consequence: missense variant.
Genome position (GRCh38, 1-based): chr14:50,628,160, T>A. VCF-style: chr14-50628160-T-A. GRCh37 (hg19) VCF-style: chr14-51094878-T-A.
Other names: c.1249T>A, p.Tyr417Asn (NM_001127713.1, NM_181598.4); short protein forms Y417N.
Identifiers: ClinVar variation 3898192 (VCV003898192.7).